The following is an entry in ClinVar:

NM_000179.3(MSH6):c.1835C>A (p.Ser612Ter)

Gene: MSH6 (mutS homolog 6; plus strand). Cytogenetic location: 2p16.3.
Variant type: single nucleotide variant.
Coding change: c.1835C>A on transcript NM_000179.3 (MANE Select); coding-DNA position 1835, C replaced by A.
Protein change: p.Ser612Ter; replaces serine 612 with a stop codon.
Molecular consequence: nonsense.
Genome position (GRCh38, 1-based): chr2:47,799,818, C>A. VCF-style: chr2-47799818-C-A. GRCh37 (hg19) VCF-style: chr2-48026957-C-A.
Other names: c.1445C>A, p.Ser482Ter (NM_001281492.2); c.929C>A, p.Ser310Ter (NM_001281493.2, NM_001281494.2); short protein forms S612*, S310*, S482*.
Identifiers: ClinVar variation 89227 (VCV000089227.9), dbSNP rs63750564, ClinGen allele CA009299.

ClinVar aggregate classification (germline): Pathogenic. Review status: reviewed by expert panel (3 of 4 stars). 5 submissions from 5 submitters: Pathogenic (1). 4 of the submissions do not count toward it. Last evaluated 2013-09-05.

Conditions:
Lynch syndrome. Identifiers: Orphanet 144, MedGen C4552100, MONDO:0005835. Disease mechanism: loss of function.
Lynch syndrome 5 (LYNCH5). Also called: Colorectal cancer, hereditary nonpolyposis, type 5; Hereditary non-polyposis colorectal cancer, type 5. Identifiers: Orphanet 144, MedGen C1833477, MONDO:0013710, OMIM 614350. Disease mechanism: loss of function.
Hereditary nonpolyposis colorectal neoplasms. Identifiers: MedGen C0009405, MeSH D003123.
Hereditary cancer-predisposing syndrome. Also called: Tumor predisposition; Hereditary Cancer Syndrome; Hereditary neoplastic syndrome; Neoplastic Syndromes, Hereditary. Identifiers: Orphanet 140162, MedGen C0027672, MeSH D009386, MONDO:0015356.

Submissions (5):

International Society for Gastrointestinal Hereditary Tumours (InSiGHT)
Classification: Pathogenic for Lynch Syndrome. Last evaluated: 2013-09-05. Review status: reviewed by expert panel. Criteria: Guidelines v1.9. Collection method: research. Allele origin: germline.
Comment: Coding sequence variation resulting in a stop codon

Classified with v1.9 guidelines

Clinical Genetics Laboratory, Skane University Hospital Lund
Classification: Pathogenic. Last evaluated: 2024-03-13. Review status: criteria provided, single submitter. Criteria: ACMG Guidelines, 2015. Collection method: clinical testing. Allele origin: germline. Affected: yes. Not counted in ClinVar's aggregate classification.

Myriad Genetics, Inc.
Classification: Pathogenic for Lynch syndrome 5. Last evaluated: 2023-08-15. Review status: criteria provided, single submitter. Criteria: Myriad Autosomal Dominant, Autosomal Recessive and X-Linked Classification Criteria (2023). Collection method: clinical testing. Allele origin: unknown. Not counted in ClinVar's aggregate classification.
Comment: This variant is considered pathogenic. This variant creates a termination codon and is predicted to result in premature protein truncation.

Labcorp Genetics (formerly Invitae), Labcorp
Classification: Pathogenic for Hereditary nonpolyposis colorectal neoplasms. Last evaluated: 2023-06-23. Review status: criteria provided, single submitter. Criteria: Invitae Variant Classification Sherloc (09022015). Collection method: clinical testing. Allele origin: germline. Not counted in ClinVar's aggregate classification.
Comment: This variant is not present in population databases (gnomAD no frequency). For these reasons, this variant has been classified as Pathogenic. ClinVar contains an entry for this variant (Variation ID: 89227). This premature translational stop signal has been observed in individual(s) with colorectal cancer (PMID: 16525781). This sequence change creates a premature translational stop signal (p.Ser612*) in the MSH6 gene. It is expected to result in an absent or disrupted protein product. Loss-of-function variants in MSH6 are known to be pathogenic (PMID: 18269114, 24362816).

Ambry Genetics
Classification: Pathogenic for Hereditary cancer-predisposing syndrome. Last evaluated: 2019-03-29. Review status: criteria provided, single submitter. Criteria: Ambry Variant Classification Scheme 2023. Collection method: clinical testing. Allele origin: germline. Not counted in ClinVar's aggregate classification.
Comment: The p.S612* pathogenic mutation (also known as c.1835C>A), located in coding exon 4 of the MSH6 gene, results from a C to A substitution at nucleotide position 1835. This changes the amino acid from a serine to a stop codon within coding exon 4. This mutation has been detected in multiple Lynch syndrome patients whose tumors demonstrated microsatellite instability and/or loss of MSH6 protein expression on IHC (Okkels H et al. Int J Colorectal Dis. 2006 Dec;21(8):847-50; Klarskov L et al. Am J Surg Pathol. 2011 Sep;35(9):1391-9; Baert-Desurmont S et al. Eur J Hum Genet. 2018 Nov;26(11):1597-1602). In addition to the clinical data presented in the literature, this alteration is expected to result in loss of function by premature protein truncation or nonsense-mediated mRNA decay. As such, this alteration is interpreted as a disease-causing mutation.

Literature cited by the submitters: PubMed 16525781 (cited by Labcorp Genetics (formerly Invitae), Labcorp); PubMed 18269114 (cited by Labcorp Genetics (formerly Invitae), Labcorp); PubMed 24362816 (cited by Labcorp Genetics (formerly Invitae), Labcorp).